The following is an entry in ClinVar:

ClinVar aggregate classification (germline): Likely benign (1 of 4 stars; one submission).

gnomAD v4.1: 111 of 1,614,048 alleles (0.0069%); highest among the groups gnomAD compares: South Asian, 0.12%; no homozygotes.

Submission:

CeGaT Center for Human Genetics Tuebingen
Classification: Likely benign. Last evaluated: 2026-07-01. Review status: criteria provided, single submitter. Criteria: CeGaT Center For Human Genetics Tuebingen Variant Classification Criteria Version 2. Collection method: clinical testing. Allele origin: germline. Affected: yes. Observed: 1 variant allele.
Comment: MACF1: BP4, BP7

NM_001394062.1(MACF1):c.9714A>G (p.Lys3238=)

Gene: MACF1 (microtubule actin crosslinking factor 1; plus strand). Cytogenetic location: 1p34.3.
Variant type: single nucleotide variant.
Coding change: c.9714A>G on transcript NM_001394062.1 (MANE Select); coding-DNA position 9714, A replaced by G.
Protein change: p.Lys3238=; no amino-acid change (lysine 3238 retained).
Molecular consequence: synonymous variant. On other transcripts: intron variant (1).
Genome position (GRCh38, 1-based): chr1:39,336,302, A>G. VCF-style: chr1-39336302-A-G. GRCh37 (hg19) VCF-style: chr1-39801974-A-G.
Other names: c.4629+8949A>G (NM_012090.5).
Identifiers: ClinVar variation 5039353 (VCV005039353.1).